The following is an entry in ClinVar:

NM_002972.4(SBF1):c.2577C>T (p.Val859=)

Gene: SBF1 (SET binding factor 1; minus strand). Cytogenetic location: 22q13.33.
Variant type: single nucleotide variant.
Coding change: c.2577C>T on transcript NM_002972.4 (MANE Select); coding-DNA position 2577, C replaced by T.
Protein change: p.Val859=; no amino-acid change (valine 859 retained).
Molecular consequence: synonymous variant.
Genome position (GRCh38, 1-based): chr22:50,461,862, G>A on the plus strand (C>T on the coding strand, the complement: SBF1 is on the minus strand). VCF-style: chr22-50461862-G-A. GRCh37 (hg19) VCF-style: chr22-50900291-G-A.
Other names: p.Val859=; c.2580C>T, p.Val860= (NM_001410794.1, NM_001365819.1); c.2577C>T, p.Val859= (NM_001410795.1, NM_197971.1).
Identifiers: ClinVar variation 2968254 (VCV002968254.4), dbSNP rs1173664605, ClinGen allele CA515383732.
Genomic context (GRCh38, chr22:50,461,862, plus strand): 5'-GATGGGCGGCAGCCTCCGGCTCTCCCGCTGCACGGCCTCCAGGGTCTCGATGTGCATCTG[G>A]ACAATGTCTGGGGGAAGACAGTTCTCACACTTTGTGCCCAGCCCCACCCATCCAAGGGGG-3'
Protein context (NP_002963.2, residues 849-869): KGLHVMVPDI[Val859=]QMHIETLEAV

ClinVar aggregate classification (germline): Likely benign. Review status: criteria provided, multiple submitters, no conflicts (2 of 4 stars). 2 submissions from 2 submitters: Likely benign (2). Last evaluated 2025-10-09.

Allele frequency attached by ClinVar (database versions not stated): gnomAD exomes below 0.00001; TOPMed 0.00002.

Submissions (2):

Mayo Clinic Laboratories, Mayo Clinic
Classification: Likely benign. Last evaluated: 2025-10-09. Review status: criteria provided, single submitter. Criteria: ACMG Guidelines, 2015. Collection method: clinical testing. Allele origin: germline. Observed: 1 variant allele.
Comment: BP4, BP7

Labcorp Genetics (formerly Invitae), Labcorp
Classification: Likely benign. Last evaluated: 2024-03-15. Review status: criteria provided, single submitter. Criteria: Invitae Variant Classification Sherloc (09022015). Collection method: clinical testing. Allele origin: germline.